The following is an entry in ClinVar:

NM_213607.3(DNAAF19):c.72G>T (p.Glu24Asp)

Gene: DNAAF19 (dynein axonemal assembly factor 19; plus strand). Cytogenetic location: 17q21.31.
Variant type: single nucleotide variant.
Coding change: c.72G>T on transcript NM_213607.3 (MANE Select); coding-DNA position 72, G replaced by T.
Protein change: p.Glu24Asp; replaces glutamic acid 24 with aspartic acid.
Molecular consequence: missense variant.
Genome position (GRCh38, 1-based): chr17:44,901,070, G>T. VCF-style: chr17-44901070-G-T. GRCh37 (hg19) VCF-style: chr17-42978438-G-T.
Other names: c.72G>T, p.Glu24Asp (NM_001258395.2, NM_001258396.2, NM_001258397.3 and 2 more transcripts); short protein forms E24D.
Identifiers: ClinVar variation 4791263 (VCV004791263.1).

ClinVar aggregate classification (germline): Uncertain significance (1 of 4 stars; one submission).

Conditions:
Primary ciliary dyskinesia. Also called: Ciliary dyskinesia. Identifiers: Orphanet 244, MedGen C0008780, MONDO:0016575, HP:0012265.

gnomAD v4.1: 1 of 1,603,456 alleles (0.000062%); highest among the groups gnomAD compares: African/African-American, 0.0013%; no homozygotes.

Submission:

Labcorp Genetics (formerly Invitae), Labcorp
Classification: Uncertain significance for Primary ciliary dyskinesia. Last evaluated: 2025-08-10. Review status: criteria provided, single submitter. Criteria: Invitae Variant Classification Sherloc (09022015). Collection method: clinical testing. Allele origin: germline.
Comment: This sequence change replaces glutamic acid, which is acidic and polar, with aspartic acid, which is acidic and polar, at codon 24 of the CCDC103 protein (p.Glu24Asp). This variant is not present in population databases (gnomAD no frequency). This variant has not been reported in the literature in individuals affected with CCDC103-related conditions. An algorithm developed to predict the effect of missense changes on protein structure and function (PolyPhen-2) suggests that this variant is likely to be disruptive. In summary, the available evidence is currently insufficient to determine the role of this variant in disease. Therefore, it has been classified as a Variant of Uncertain Significance.